The following is an entry in ClinVar:

ClinVar aggregate classification (germline): Conflicting classifications of pathogenicity. Review status: criteria provided, conflicting classifications (1 of 4 stars). 2 submissions from 2 submitters: Uncertain significance (1); Likely benign (1). Last evaluated 2023-09-28.

Submissions (2):

Women's Health and Genetics/Laboratory Corporation of America, LabCorp
Classification: Uncertain significance. Last evaluated: 2023-09-28. Review status: criteria provided, single submitter. Criteria: LabCorp Variant Classification Summary - May 2015. Collection method: clinical testing. Allele origin: germline.
Comment: Variant summary: HBA2 c.349G>A (p.Glu117Lys) results in a conservative amino acid change located in the Globin (IPR000971) of the encoded protein sequence. Three of five in-silico tools predict a benign effect of the variant on protein function. The variant was absent in 247268 control chromosomes. The available data on variant occurrences in the general population are insufficient to allow any conclusion about variant significance. c.349G>A has been reported in the literature in individuals affected with Thalassemia (Eftekhari_2018). This report does not provide unequivocal conclusions about association of the variant with Alpha Thalassemia. To our knowledge, no experimental evidence demonstrating an impact on protein function has been reported. The following publication have been ascertained in the context of this evaluation (PMID: 29651217). One submitter has cited clinical-significance assessments for this variant to ClinVar after 2014 and has classified the variant as likely benign. Based on the evidence outlined above, the variant was classified as uncertain significance.

ARUP Laboratories, Molecular Genetics and Genomics, ARUP Laboratories
Classification: Likely benign. Last evaluated: 2021-12-02. Review status: criteria provided, single submitter. Criteria: ARUP Molecular Germline Variant Investigation Process 2021. Collection method: clinical testing. Allele origin: germline.

Literature cited by the submitters: PubMed 29651217 (cited by Women's Health and Genetics/Laboratory Corporation of America, LabCorp).

NM_000517.6(HBA2):c.349G>A (p.Glu117Lys)

Genes: HBA2 (hemoglobin subunit alpha 2; plus strand), LOC106804612 (hemoglobin subunit alpha 2 recombination region; plus strand). Cytogenetic location: 16p13.3.
Variant type: single nucleotide variant.
Coding change: c.349G>A on transcript NM_000517.6 (MANE Select); coding-DNA position 349, G replaced by A.
Protein change: p.Glu117Lys; replaces glutamic acid 117 with lysine.
Molecular consequence: missense variant.
Genome position (GRCh38, 1-based): chr16:173,520, G>A. VCF-style: chr16-173520-G-A. GRCh37 (hg19) VCF-style: chr16-223519-G-A.
Other names: c.349G>A (NM_000517.4); short protein forms E117K.
Identifiers: ClinVar variation 1679435 (VCV001679435.8), dbSNP rs33987053, ClinGen allele CA276415405.